The following is an entry in ClinVar:

ClinVar aggregate classification (germline): Uncertain significance (1 of 4 stars; one submission).

Conditions:
Charcot-Marie-Tooth disease type 2. Also called: Charcot-Marie-Tooth type 2. Identifiers: Orphanet 64746, MedGen C0270914, MONDO:0018993.

Allele frequency attached by ClinVar (database versions not stated): gnomAD exomes 0.00001 and below 0.00001; TOPMed 0.00002.
gnomAD v4.1: 11 of 1,614,150 alleles (0.00068%); highest among the groups gnomAD compares: African/African-American, 0.0013%; no homozygotes.

Submission:

Labcorp Genetics (formerly Invitae), Labcorp
Classification: Uncertain significance for Charcot-Marie-Tooth disease type 2. Last evaluated: 2019-06-14. Review status: criteria provided, single submitter. Criteria: Invitae Variant Classification Sherloc (09022015). Collection method: clinical testing. Allele origin: germline.
Comment: This sequence change replaces alanine with threonine at codon 285 of the MED25 protein (p.Ala285Thr). The alanine residue is highly conserved and there is a small physicochemical difference between alanine and threonine. This variant is not present in population databases (ExAC no frequency). This variant has not been reported in the literature in individuals with MED25-related conditions. Algorithms developed to predict the effect of missense changes on protein structure and function are either unavailable or do not agree on the potential impact of this missense change (SIFT: "Tolerated"; PolyPhen-2: "Probably Damaging"; Align-GVGD: "Class C0"). In summary, the available evidence is currently insufficient to determine the role of this variant in disease. Therefore, it has been classified as a Variant of Uncertain Significance.

NM_030973.4(MED25):c.853G>A (p.Ala285Thr)

Gene: MED25 (mediator complex subunit 25; plus strand). Cytogenetic location: 19q13.33.
Variant type: single nucleotide variant.
Coding change: c.853G>A on transcript NM_030973.4 (MANE Select); coding-DNA position 853, G replaced by A.
Protein change: p.Ala285Thr; replaces alanine 285 with threonine.
Molecular consequence: missense variant.
Genome position (GRCh38, 1-based): chr19:49,830,544, G>A. VCF-style: chr19-49830544-G-A. GRCh37 (hg19) VCF-style: chr19-50333801-G-A.
Other names: c.853G>A, p.Ala285Thr (NM_001378355.1); short protein forms A285T.
Identifiers: ClinVar variation 940375 (VCV000940375.9), dbSNP rs1318288681, ClinGen allele CA406914486.
Genomic context (GRCh38, chr19:49,830,544, plus strand): 5'-CCTTCCCTTCTTCCCTTCTACCCACAGGTTCCCGGGAACCTGAGTGCAGCTCAGGTGGCC[G>A]CGCAGAATGCAGTGGAGGCTGCCAAGAACCAGAAGGCTGGGCTGGGCCCTCGCTGTGAGT-3'
Protein context (NP_112235.2, residues 275-295): PGNLSAAQVA[Ala285Thr]QNAVEAAKNQ